The following is an entry in ClinVar:

ClinVar aggregate classification (germline): Uncertain significance (1 of 4 stars; one submission).

Submission:

Labcorp Genetics (formerly Invitae), Labcorp
Classification: Uncertain significance. Last evaluated: 2024-04-23. Review status: criteria provided, single submitter. Criteria: Invitae Variant Classification Sherloc (09022015). Collection method: clinical testing. Allele origin: germline.
Comment: This sequence change replaces alanine, which is neutral and non-polar, with serine, which is neutral and polar, at codon 1954 of the MYH9 protein (p.Ala1954Ser). This variant is not present in population databases (gnomAD no frequency). This variant has not been reported in the literature in individuals affected with MYH9-related conditions. Advanced modeling of protein sequence and biophysical properties (such as structural, functional, and spatial information, amino acid conservation, physicochemical variation, residue mobility, and thermodynamic stability) performed at Invitae indicates that this missense variant is not expected to disrupt MYH9 protein function with a negative predictive value of 95%. In summary, the available evidence is currently insufficient to determine the role of this variant in disease. Therefore, it has been classified as a Variant of Uncertain Significance.

NM_002473.6(MYH9):c.5860G>T (p.Ala1954Ser)

Gene: MYH9 (myosin heavy chain 9; minus strand). Cytogenetic location: 22q12.3.
Variant type: single nucleotide variant.
Coding change: c.5860G>T on transcript NM_002473.6 (MANE Select); coding-DNA position 5860, G replaced by T.
Protein change: p.Ala1954Ser; replaces alanine 1954 with serine.
Molecular consequence: missense variant.
Genome position (GRCh38, 1-based): chr22:36,282,691, C>A on the plus strand (G>T on the coding strand, the complement: MYH9 is on the minus strand). VCF-style: chr22-36282691-C-A. GRCh37 (hg19) VCF-style: chr22-36678737-C-A.
Other names: short protein forms A1954S.
Identifiers: ClinVar variation 3637782 (VCV003637782.2).
Genomic context (GRCh38, chr22:36,282,691, plus strand): 5'-TGTCTGTCCATCCATCTCAGGCTGCAGGAGAAGAGGCTTATTCGGCAGGTTTGGCCTCAG[C>A]CCCATCCGCTTTGCCATCTACCTCTTCGTCGGAGCCATCCCCGGCGCCTTTCCGGGCCAT-3'
Protein context (NP_002464.1, residues 1944-1960): DEEVDGKADG[Ala1954Ser]EAKPAE